The following is an entry in ClinVar:

ClinVar aggregate classification (germline): Uncertain significance (1 of 4 stars; one submission).

Submission:

Labcorp Genetics (formerly Invitae), Labcorp
Classification: Uncertain significance. Last evaluated: 2022-06-20. Review status: criteria provided, single submitter. Criteria: Invitae Variant Classification Sherloc (09022015). Collection method: clinical testing. Allele origin: germline.
Comment: This variant is not present in population databases (gnomAD no frequency). This variant has not been reported in the literature in individuals affected with ARMC9-related conditions. ClinVar contains an entry for this variant (Variation ID: 1057444). Experimental studies and prediction algorithms are not available or were not evaluated, and the functional significance of this variant is currently unknown. In summary, the available evidence is currently insufficient to determine the role of this variant in disease. Therefore, it has been classified as a Variant of Uncertain Significance. This sequence change replaces cysteine, which is neutral and slightly polar, with glycine, which is neutral and non-polar, at codon 768 of the ARMC9 protein (p.Cys768Gly).

NM_001352754.2(ARMC9):c.2302T>G (p.Cys768Gly)

Gene: ARMC9 (armadillo repeat containing 9; plus strand). Cytogenetic location: 2q37.1.
Variant type: single nucleotide variant.
Coding change: c.2302T>G on transcript NM_001352754.2 (MANE Select); coding-DNA position 2302, T replaced by G.
Protein change: p.Cys768Gly; replaces cysteine 768 with glycine.
Molecular consequence: missense variant.
Genome position (GRCh38, 1-based): chr2:231,369,993, T>G. VCF-style: chr2-231369993-T-G. GRCh37 (hg19) VCF-style: chr2-232234704-T-G.
Other names: c.2302T>G, p.Cys768Gly (NM_001271466.4); short protein forms C768G.
Identifiers: ClinVar variation 1057444 (VCV001057444.10), dbSNP rs2125600486, ClinGen allele CA350959310.